The following is an entry in ClinVar:

ClinVar aggregate classification (germline): Uncertain significance (1 of 4 stars; one submission).

Submission:

GeneDx
Classification: Uncertain significance. Last evaluated: 2024-01-25. Review status: criteria provided, single submitter. Criteria: GeneDx Variant Classification Process June 2021. Collection method: clinical testing. Allele origin: germline. Affected: yes.
Comment: Not observed at significant frequency in large population cohorts (gnomAD); In silico analysis supports that this missense variant does not alter protein structure/function; Has not been previously published as pathogenic or benign to our knowledge

NM_001371928.1(AHDC1):c.2762T>C (p.Phe921Ser)

Gene: AHDC1 (AT-hook DNA binding motif containing 1; minus strand). Cytogenetic location: 1p36.11.
Variant type: single nucleotide variant.
Coding change: c.2762T>C on transcript NM_001371928.1 (MANE Select); coding-DNA position 2762, T replaced by C.
Protein change: p.Phe921Ser; replaces phenylalanine 921 with serine.
Molecular consequence: missense variant.
Genome position (GRCh38, 1-based): chr1:27,549,354, A>G on the plus strand (T>C on the coding strand, the complement: AHDC1 is on the minus strand). VCF-style: chr1-27549354-A-G. GRCh37 (hg19) VCF-style: chr1-27875865-A-G.
Other names: c.2762T>C, p.Phe921Ser (NM_001029882.3); short protein forms F921S.
Identifiers: ClinVar variation 3368406 (VCV003368406.1).
Genomic context (GRCh38, chr1:27,549,354, plus strand): 5'-GCTGCCCGGCAGTCTGAAGCGGCTGGAGTTAGCCCATAGCTTGCTGCTCGTCCTGGTGGG[A>G]AGGTCTGGCGCGCGGACAGGACAGGCTGAAAGGAGGGGTCCGCCCCAGCCCCGCTGCTAC-3'
Protein context (NP_001358857.1, residues 911-931): FQPVLSARQT[Phe921Ser]PPGRAASYGL